The following is an entry in ClinVar:

ClinVar aggregate classification (germline): Likely pathogenic (1 of 4 stars; one submission).

Conditions:
Spastic paraplegia. Identifiers: MedGen C0037772, HP:0001258.

Submission:

Labcorp Genetics (formerly Invitae), Labcorp
Classification: Likely pathogenic for Spastic paraplegia. Last evaluated: 2024-01-22. Review status: criteria provided, single submitter. Criteria: Invitae Variant Classification Sherloc (09022015). Collection method: clinical testing. Allele origin: germline.
Comment: This sequence change replaces arginine, which is basic and polar, with leucine, which is neutral and non-polar, at codon 204 of the KIF5A protein (p.Arg204Leu). This variant is not present in population databases (gnomAD no frequency). This variant has not been reported in the literature in individuals affected with KIF5A-related conditions. Advanced modeling of protein sequence and biophysical properties (such as structural, functional, and spatial information, amino acid conservation, physicochemical variation, residue mobility, and thermodynamic stability) performed at Invitae indicates that this missense variant is expected to disrupt KIF5A protein function with a positive predictive value of 95%. This variant disrupts the p.Arg204 amino acid residue in KIF5A. Other variant(s) that disrupt this residue have been determined to be pathogenic (PMID: 18853458, 21623771, 24731568, 25008398, 26543653). This suggests that this residue is clinically significant, and that variants that disrupt this residue are likely to be disease-causing. In summary, the currently available evidence indicates that the variant is pathogenic, but additional data are needed to prove that conclusively. Therefore, this variant has been classified as Likely Pathogenic.

Literature cited by the submitters: PubMed 18853458; PubMed 21623771; PubMed 24731568; PubMed 25008398; PubMed 26543653.

NM_004984.4(KIF5A):c.611G>T (p.Arg204Leu)

Gene: KIF5A (kinesin family member 5A; plus strand). Cytogenetic location: 12q13.3.
Variant type: single nucleotide variant.
Coding change: c.611G>T on transcript NM_004984.4 (MANE Select); coding-DNA position 611, G replaced by T.
Protein change: p.Arg204Leu; replaces arginine 204 with leucine.
Molecular consequence: missense variant.
Genome position (GRCh38, 1-based): chr12:57,567,515, G>T. VCF-style: chr12-57567515-G-T. GRCh37 (hg19) VCF-style: chr12-57961298-G-T.
Other names: c.344G>T, p.Arg115Leu (NM_001354705.2); short protein forms R204L, R115L.
Identifiers: ClinVar variation 2710738 (VCV002710738.3), dbSNP rs387907287, ClinGen allele CA385499056.